The following is an entry in ClinVar:

ClinVar aggregate classification (germline): Uncertain significance (1 of 4 stars; one submission).

Conditions:
MHC class II deficiency. Also called: Bare lymphocyte syndrome 2; BLS, TYPE II. Identifiers: Orphanet 572, MedGen C5447452, MONDO:0008855.

Submission:

Labcorp Genetics (formerly Invitae), Labcorp
Classification: Uncertain significance for MHC class II deficiency. Last evaluated: 2022-05-12. Review status: criteria provided, single submitter. Criteria: Invitae Variant Classification Sherloc (09022015). Collection method: clinical testing. Allele origin: germline.
Comment: This variant, c.145_147del, results in the deletion of 1 amino acid(s) of the CIITA protein (p.His49del), but otherwise preserves the integrity of the reading frame. This variant is present in population databases (rs776312221, gnomAD 0.006%). This variant has not been reported in the literature in individuals affected with CIITA-related conditions. Experimental studies and prediction algorithms are not available or were not evaluated, and the functional significance of this variant is currently unknown. In summary, the available evidence is currently insufficient to determine the role of this variant in disease. Therefore, it has been classified as a Variant of Uncertain Significance.

NM_000246.4(CIITA):c.145_147del (p.His49del)

Gene: CIITA (class II major histocompatibility complex transactivator; plus strand). Cytogenetic location: 16p13.13.
Variant type: Deletion.
Coding change: c.145_147del on transcript NM_000246.4 (MANE Select); coding-DNA positions 145 to 147, 3 bases deleted (CAC; older notation c.145_147delCAC).
Protein change: p.His49del; deletes histidine 49.
Molecular consequence: inframe deletion. On other transcripts: non-coding transcript variant (1).
Genome position (GRCh38, 1-based): chr16:10,895,374-10,895,376, CAC deleted; deleting any 3 consecutive bases within chr16:10,895,372-10,895,376 gives the same sequence; the c. name uses the placement nearest the transcript's 3' end. VCF-style (leftmost placement, unchanged base first): chr16-10895371-TACC-T. GRCh37 (hg19) VCF-style: chr16-10989228-TACC-T.
Other names: c.145_147del, p.His49del (NM_001286402.1, NM_001286403.2, NM_001379330.1 and 3 more transcripts); c.73_75del, p.His25del (NM_001379334.1); short protein forms H49del, H25del.
Identifiers: ClinVar variation 2140283 (VCV002140283.1), dbSNP rs776312221, ClinGen allele CA7899580.